The following is an entry in ClinVar:

NM_001457.4(FLNB):c.6302G>T (p.Arg2101Leu)

Gene: FLNB (filamin B; plus strand). Cytogenetic location: 3p14.3.
Variant type: single nucleotide variant.
Coding change: c.6302G>T on transcript NM_001457.4 (MANE Select); coding-DNA position 6302, G replaced by T.
Protein change: p.Arg2101Leu; replaces arginine 2101 with leucine.
Molecular consequence: missense variant.
Genome position (GRCh38, 1-based): chr3:58,150,162, G>T. VCF-style: chr3-58150162-G-T. GRCh37 (hg19) VCF-style: chr3-58135889-G-T.
Other names: c.6395G>T, p.Arg2132Leu (NM_001164317.2); c.6269G>T, p.Arg2090Leu (NM_001164318.2); c.6230G>T, p.Arg2077Leu (NM_001164319.2); short protein forms R2077L, R2090L, R2101L, R2132L.
Identifiers: ClinVar variation 2633584 (VCV002633584.4), dbSNP rs758173602, ClinGen allele CA353358013.

ClinVar aggregate classification (germline): Uncertain significance. Review status: criteria provided, multiple submitters, no conflicts (2 of 4 stars). 2 submissions from 2 submitters: Uncertain significance (2). Last evaluated 2025-09-01.

Conditions:
FLNB-related disorder. Also called: FLNB-related condition; FLNB-related disorders. Identifiers: MedGen CN381095.

gnomAD v4.1: 3 of 1,614,080 alleles (0.00019%); highest among the groups gnomAD compares: Non-Finnish European, 0.00025%; no homozygotes.

Submissions (2):

Labcorp Genetics (formerly Invitae), Labcorp
Classification: Uncertain significance. Last evaluated: 2025-09-01. Review status: criteria provided, single submitter. Criteria: Invitae Variant Classification Sherloc (09022015). Collection method: clinical testing. Allele origin: germline.
Comment: This sequence change replaces arginine, which is basic and polar, with leucine, which is neutral and non-polar, at codon 2101 of the FLNB protein (p.Arg2101Leu). This variant is present in population databases (no rsID available, gnomAD 0.0009%). This variant has not been reported in the literature in individuals affected with FLNB-related conditions. ClinVar contains an entry for this variant (Variation ID: 2633584). Invitae Evidence Modeling of protein sequence and biophysical properties (such as structural, functional, and spatial information, amino acid conservation, physicochemical variation, residue mobility, and thermodynamic stability) indicates that this missense variant is not expected to disrupt FLNB protein function with a negative predictive value of 95%. In summary, the available evidence is currently insufficient to determine the role of this variant in disease. Therefore, it has been classified as a Variant of Uncertain Significance.

PreventionGenetics, part of Exact Sciences
Classification: Uncertain significance for FLNB-related condition. Last evaluated: 2023-03-12. Review status: criteria provided, single submitter. Criteria: ACMG Guidelines, 2015. Collection method: clinical testing. Allele origin: germline.
Comment: The FLNB c.6302G>T variant is predicted to result in the amino acid substitution p.Arg2101Leu. To our knowledge, this variant has not been reported in the literature. This variant is reported in 0.00088% of alleles in individuals of European (Non-Finnish) descent in gnomAD. At this time, the clinical significance of this variant is uncertain due to the absence of conclusive functional and genetic evidence.